The following is an entry in ClinVar:

NM_001963.6(EGF):c.686G>T (p.Cys229Phe)

Gene: EGF (epidermal growth factor; plus strand). Cytogenetic location: 4q25.
Variant type: single nucleotide variant.
Coding change: c.686G>T on transcript NM_001963.6 (MANE Select); coding-DNA position 686, G replaced by T.
Protein change: p.Cys229Phe; replaces cysteine 229 with phenylalanine.
Molecular consequence: missense variant.
Genome position (GRCh38, 1-based): chr4:109,944,018, G>T. VCF-style: chr4-109944018-G-T. GRCh37 (hg19) VCF-style: chr4-110865174-G-T.
Other names: c.686G>T, p.Cys229Phe (NM_001178130.3, NM_001178131.3, NM_001357021.2); short protein forms C229F.
Identifiers: ClinVar variation 1426151 (VCV001426151.6), dbSNP rs1251037371, ClinGen allele CA357876567.

ClinVar aggregate classification (germline): Uncertain significance (1 of 4 stars; one submission).

Allele frequency attached by ClinVar (database versions not stated): gnomAD exomes below 0.00001; TOPMed below 0.00001; gnomAD 0.00001.
gnomAD v4.1: 3 of 1,614,036 alleles (0.00019%); highest among the groups gnomAD compares: Admixed American, 0.0033%; no homozygotes.

Submission:

Labcorp Genetics (formerly Invitae), Labcorp
Classification: Uncertain significance. Last evaluated: 2021-11-19. Review status: criteria provided, single submitter. Criteria: Invitae Variant Classification Sherloc (09022015). Collection method: clinical testing. Allele origin: germline.
Comment: This sequence change replaces cysteine, which is neutral and slightly polar, with phenylalanine, which is neutral and non-polar, at codon 229 of the EGF protein (p.Cys229Phe). This variant is not present in population databases (gnomAD no frequency). This variant has not been reported in the literature in individuals affected with EGF-related conditions. Algorithms developed to predict the effect of missense changes on protein structure and function are either unavailable or do not agree on the potential impact of this missense change (SIFT: "Not Available"; PolyPhen-2: "Benign"; Align-GVGD: "Not Available"). In summary, the available evidence is currently insufficient to determine the role of this variant in disease. Therefore, it has been classified as a Variant of Uncertain Significance.